The following is an entry in ClinVar:

NM_001278293.3(ARL6):c.529C>T (p.Leu177Phe)

Gene: ARL6 (ARF like GTPase 6; plus strand). Cytogenetic location: 3q11.2.
Variant type: single nucleotide variant.
Coding change: c.529C>T on transcript NM_001278293.3 (MANE Select); coding-DNA position 529, C replaced by T.
Protein change: p.Leu177Phe; replaces leucine 177 with phenylalanine.
Molecular consequence: missense variant. On other transcripts: non-coding transcript variant (6), intron variant (1).
Genome position (GRCh38, 1-based): chr3:97,791,820, C>T. VCF-style: chr3-97791820-C-T. GRCh37 (hg19) VCF-style: chr3-97510664-C-T.
Other names: c.529C>T, p.Leu177Phe (NM_001323513.2, NM_032146.5, NM_177976.3); c.479+3701C>T (NM_001323514.2); short protein forms L177F.
Identifiers: ClinVar variation 1319009 (VCV001319009.12), dbSNP rs750627875, ClinGen allele CA2505991.

ClinVar aggregate classification (germline): Conflicting classifications of pathogenicity. Review status: criteria provided, conflicting classifications (1 of 4 stars). 7 submissions from 7 submitters: Pathogenic (1); Uncertain significance (5). 1 of the submissions does not count toward it. Last evaluated 2025-12-01.

Conditions:
Bardet-Biedl syndrome 3 (BBS3). Identifiers: Orphanet 110, MedGen C1859564, MONDO:0010832, OMIM 600151.
Retinitis pigmentosa 55 (RP55). Identifiers: Orphanet 791, MedGen C3150808, MONDO:0013312, OMIM 613575.
Bardet-Biedl syndrome 1 (BBS1). Identifiers: MedGen C2936862, MONDO:0008854, OMIM 209900. Disease mechanism: loss of function.
Retinitis pigmentosa (RP). Identifiers: Orphanet 791, MedGen C0035334, MeSH D012174, MONDO:0019200, OMIM 268000. Inheritance: Autosomal dominant, autosomal recessive and X linked inheritance.
ARL6-related disorder. Also called: ARL6-related condition.

Allele frequency attached by ClinVar (database versions not stated): TOPMed below 0.00001; gnomAD exomes 0.00001 and 0.00003; ExAC 0.00003.
gnomAD v4.1: 8 of 1,613,154 alleles (0.0005%); highest among the groups gnomAD compares: Admixed American, 0.013%; no homozygotes.

Submissions (7):

Labcorp Genetics (formerly Invitae), Labcorp
Classification: Uncertain significance for Retinitis pigmentosa 55; Bardet-Biedl syndrome 3. Last evaluated: 2025-12-01. Review status: criteria provided, single submitter. Criteria: Invitae Variant Classification Sherloc (09022015). Collection method: clinical testing. Allele origin: germline.
Comment: This sequence change replaces leucine, which is neutral and non-polar, with phenylalanine, which is neutral and non-polar, at codon 177 of the ARL6 protein (p.Leu177Phe). This variant is present in population databases (rs750627875, gnomAD 0.02%). This missense change has been observed in individual(s) with clinical features of retinitis pigmentosa (PMID: 31054281). ClinVar contains an entry for this variant (Variation ID: 1319009). An algorithm developed to predict the effect of missense changes on protein structure and function (PolyPhen-2) suggests that this variant is likely to be disruptive. In summary, the available evidence is currently insufficient to determine the role of this variant in disease. Therefore, it has been classified as a Variant of Uncertain Significance.

Women's Health and Genetics/Laboratory Corporation of America, LabCorp
Classification: Uncertain significance. Last evaluated: 2024-09-10. Review status: criteria provided, single submitter. Criteria: LabCorp Variant Classification Summary - May 2015. Collection method: clinical testing. Allele origin: germline.
Comment: Variant summary: ARL6 c.529C>T (p.Leu177Phe) results in a non-conservative amino acid change in the encoded protein sequence. Five of five in-silico tools predict a damaging effect of the variant on protein function. The variant allele was found at a frequency of 3.2e-05 in 251268 control chromosomes. The available data on variant occurrences in the general population are insufficient to allow any conclusion about variant significance. c.529C>T has been reported in the literature in individuals affected with Retinitis Pigmentosa (Gao_2019) without evidence for causality. These report(s) do not provide unequivocal conclusions about association of the variant with Bardet-Biedl Syndrome. To our knowledge, no experimental evidence demonstrating an impact on protein function has been reported. The following publication have been ascertained in the context of this evaluation (PMID: 31054281). ClinVar contains an entry for this variant (Variation ID: 1319009). Based on the evidence outlined above, the variant was classified as uncertain significance.

3billion
Classification: Uncertain significance for Retinitis pigmentosa 55. Last evaluated: 2023-09-26. Review status: criteria provided, single submitter. Criteria: ACMG Guidelines, 2015. Collection method: clinical testing. Allele origin: germline. Affected: yes.
Comment: The variant is observed at an extremely low frequency in the gnomAD v2.1.1 dataset (total allele frequency: 0.003%). Predicted Consequence/Location: Missense variant In silico tool predictions suggest a damaging effect of the variant on gene or gene product [REVEL: 0.80 (>=0.6, sensitivity 0.68 and specificity 0.92); 3Cnet: 0.24 (>=0.6, sensitivity 0.72 and precision 0.9)]. Therefore, this variant is classified as VUS according to the recommendation of ACMG/AMP guideline.

Fulgent Genetics
Classification: Uncertain significance for Bardet-Biedl syndrome 1; Retinitis pigmentosa; Bardet-Biedl syndrome 3; Retinitis pigmentosa 55. Last evaluated: 2022-04-22. Review status: criteria provided, single submitter. Criteria: ACMG Guidelines, 2015. Collection method: clinical testing. Allele origin: unknown.

Blueprint Genetics
Classification: Pathogenic for ARL6-related disorders. Last evaluated: 2021-09-24. Review status: criteria provided, single submitter. Criteria: ACMG Guidelines, 2015. Collection method: clinical testing. Allele origin: germline. Affected: yes. Observed: 1 variant allele.

GeneDx
Classification: Uncertain significance. Last evaluated: 2019-04-02. Review status: criteria provided, single submitter. Criteria: GeneDx Variant Classification Process June 2021. Collection method: clinical testing. Allele origin: germline. Affected: yes.
Comment: In silico analysis, which includes protein predictors and evolutionary conservation, supports a deleterious effect; Has not been previously reported as pathogenic or benign to our knowledge; Observed in 7/33,560 (0.021%) alleles from individuals of Latino background, in large population cohorts (Lek et al., 2016); This variant is associated with the following publications: (PMID: 31054281)

PreventionGenetics, part of Exact Sciences
Classification: Uncertain significance for ARL6-related condition. Last evaluated: 2024-01-03. Review status: no assertion criteria provided. Collection method: clinical testing. Allele origin: germline. Not counted in ClinVar's aggregate classification.
Comment: The ARL6 c.529C>T variant is predicted to result in the amino acid substitution p.Leu177Phe. This variant has been observed in a patient with retinitis pigmentosa (Gao et al. 2019. PubMed ID: 31054281). However, no further evidence of pathogenicity was provided. This variant is reported in 0.023% of alleles in individuals of Latino descent in gnomAD. Although we suspect that this variant may be pathogenic, at this time, the clinical significance of this variant is uncertain due to the absence of conclusive functional and genetic evidence.

Literature cited by the submitters: PubMed 31054281 (cited by Labcorp Genetics (formerly Invitae), Labcorp and Women's Health and Genetics/Laboratory Corporation of America, LabCorp).